The following is an entry in ClinVar:

NM_001009944.3(PKD1):c.12095G>A (p.Gly4032Asp)

Gene: PKD1 (polycystin 1, transient receptor potential channel interacting; minus strand). Cytogenetic location: 16p13.3.
Variant type: single nucleotide variant.
Coding change: c.12095G>A on transcript NM_001009944.3 (MANE Select); coding-DNA position 12095, G replaced by A.
Protein change: p.Gly4032Asp; replaces glycine 4032 with aspartic acid.
Molecular consequence: missense variant.
Genome position (GRCh38, 1-based): chr16:2,090,717, C>T on the plus strand (G>A on the coding strand, the complement: PKD1 is on the minus strand). VCF-style: chr16-2090717-C-T. GRCh37 (hg19) VCF-style: chr16-2140718-C-T.
Other names: c.12092G>A, p.Gly4031Asp (NM_000296.4); short protein forms G4031D, G4032D.
Identifiers: ClinVar variation 1685007 (VCV001685007.11), dbSNP rs142768096, ClinGen allele CA7828833.

ClinVar aggregate classification (germline): Uncertain significance. Review status: criteria provided, multiple submitters, no conflicts (2 of 4 stars). 3 submissions from 3 submitters: Uncertain significance (3). Last evaluated 2025-08-01.

gnomAD v4.1: 208 of 1,612,416 alleles (0.013%); highest among the groups gnomAD compares: Non-Finnish European, 0.016%; no homozygotes.

Submissions (3):

CeGaT Center for Human Genetics Tuebingen
Classification: Uncertain significance. Last evaluated: 2025-08-01. Review status: criteria provided, single submitter. Criteria: CeGaT Center For Human Genetics Tuebingen Variant Classification Criteria Version 2. Collection method: clinical testing. Allele origin: germline. Affected: yes. Observed: 1 variant allele.
Comment: PKD1: PM2, PS3:Supporting

GeneDx
Classification: Uncertain significance. Last evaluated: 2024-03-28. Review status: criteria provided, single submitter. Criteria: GeneDx Variant Classification Process June 2021. Collection method: clinical testing. Allele origin: germline. Affected: yes.
Comment: Identified in a patient with polycystic kidney disease (PMID: 9521593); Published functional studies demonstrate decreased glycosylation and impaired membrane association (PMID: 21142036); In silico analysis supports that this missense variant does not alter protein structure/function; Also reported as G4031D; This variant is associated with the following publications: (PMID: 30476936, 21142036, 9521593)

Mendelics
Classification: Uncertain significance. Last evaluated: 2022-05-04. Review status: criteria provided, single submitter. Criteria: Mendelics Assertion Criteria 2019. Collection method: clinical testing. Allele origin: germline.